The following is an entry in ClinVar:

NM_001267550.2(TTN):c.63458T>C (p.Ile21153Thr)

Genes: TTN (titin; minus strand), TTN-AS1 (TTN antisense RNA 1; plus strand). Cytogenetic location: 2q31.2.
Variant type: single nucleotide variant.
Coding change: c.63458T>C on transcript NM_001267550.2 (MANE Select); coding-DNA position 63458, T replaced by C.
Protein change: p.Ile21153Thr; replaces isoleucine 21153 with threonine.
Molecular consequence: missense variant.
Genome position (GRCh38, 1-based): chr2:178,587,949, A>G on the plus strand (T>C on the coding strand, the complement: TTN is on the minus strand). VCF-style: chr2-178587949-A-G. GRCh37 (hg19) VCF-style: chr2-179452676-A-G.
Other names: c.58535T>C, p.Ile19512Thr (NM_001256850.1); c.36263T>C, p.Ile12088Thr (NM_003319.4); c.55754T>C, p.Ile18585Thr (NM_133378.4); c.36638T>C, p.Ile12213Thr (NM_133432.3); c.36839T>C, p.Ile12280Thr (NM_133437.4); short protein forms I21153T, I12280T, I18585T, I19512T, I12088T, I12213T.
Identifiers: ClinVar variation 467362 (VCV000467362.20), dbSNP rs772411127, ClinGen allele CA1992087.

ClinVar aggregate classification (germline): Uncertain significance. Review status: criteria provided, multiple submitters, no conflicts (2 of 4 stars). 5 submissions from 5 submitters: Uncertain significance (5). Last evaluated 2025-06-17.

Conditions:
Cardiomyopathy (CMYO). Also called: Cardiomyopathies. Identifiers: Orphanet 167848, MedGen C0878544, MONDO:0004994, HP:0001638. Inheritance: Various modes of inheritance.
Early-onset myopathy with fatal cardiomyopathy (CMYO5). Also called: Salih Myopathy; CONGENITAL MYOPATHY 5 WITH CARDIOMYOPATHY. Identifiers: Orphanet 289377, MedGen C2673677, MONDO:0012714, OMIM 611705. Disease mechanism: loss of function.
Tibial muscular dystrophy (TMD). Also called: UDD MYOPATHY; Tibial muscular dystrophy, tardive; Udd Distal Myopathy – Tibial Muscular Dystrophy. Identifiers: Orphanet 609, MedGen C1838244, MONDO:0010870, OMIM 600334.
Dilated cardiomyopathy 1G (CMD1G). Identifiers: Orphanet 154, MedGen C1858763, MONDO:0011400, OMIM 604145.
Myopathy, myofibrillar, 9, with early respiratory failure (MFM9). Also called: Hereditary myopathy with early respiratory failure; MYOPATHY, PROXIMAL, WITH EARLY RESPIRATORY MUSCLE INVOLVEMENT; Myopathy, distal, with early respiratory failure, autosomal dominant; EDSTROM MYOPATHY. Identifiers: Orphanet 178464, Orphanet 34521, MedGen C1863599, MONDO:0011362, OMIM 603689.
Hypertrophic cardiomyopathy 9. Also called: Familial hypertrophic cardiomyopathy 9. Identifiers: MedGen C1861065, MONDO:0013412, OMIM 613765.
Autosomal recessive limb-girdle muscular dystrophy type 2J (LGMDR10). Also called: Limb-girdle muscular dystrophy, type 2J; MUSCULAR DYSTROPHY, LIMB-GIRDLE, AUTOSOMAL RECESSIVE 10. Identifiers: Orphanet 140922, MedGen C1837342, MONDO:0012127, OMIM 608807.

Allele frequency attached by ClinVar (database versions not stated): gnomAD exomes 0.00002; TOPMed 0.00002; gnomAD 0.00003 and 0.00004; ExAC 0.00005.
gnomAD v4.1: 30 of 1,610,122 alleles (0.0019%); highest among the groups gnomAD compares: South Asian, 0.0044%; no homozygotes.

Submissions (5):

Revvity Omics, Revvity
Classification: Uncertain significance. Last evaluated: 2025-06-17. Review status: criteria provided, single submitter. Criteria: ACMG Guidelines, 2015. Collection method: clinical testing. Allele origin: germline.

CeGaT Center for Human Genetics Tuebingen
Classification: Uncertain significance. Last evaluated: 2024-12-01. Review status: criteria provided, single submitter. Criteria: CeGaT Center For Human Genetics Tuebingen Variant Classification Criteria Version 2. Collection method: clinical testing. Allele origin: germline. Affected: yes. Observed: 1 variant allele.
Comment: TTN: PM2

Fulgent Genetics
Classification: Uncertain significance for Tibial muscular dystrophy; Myopathy, myofibrillar, 9, with early respiratory failure; Dilated cardiomyopathy 1G; Autosomal recessive limb-girdle muscular dystrophy type 2J; Early-onset myopathy with fatal cardiomyopathy; Hypertrophic cardiomyopathy 9. Last evaluated: 2018-10-31. Review status: criteria provided, single submitter. Criteria: ACMG Guidelines, 2015. Collection method: clinical testing. Allele origin: unknown.

CHEO Genetics Diagnostic Laboratory, Children's Hospital of Eastern Ontario
Classification: Uncertain significance for Cardiomyopathy. Last evaluated: 2018-04-12. Review status: criteria provided, single submitter. Criteria: ACMG Guidelines, 2015. Collection method: clinical testing. Allele origin: germline.

Labcorp Genetics (formerly Invitae), Labcorp
Classification: Uncertain significance for Dilated cardiomyopathy 1G; Autosomal recessive limb-girdle muscular dystrophy type 2J. Last evaluated: 2017-12-12. Review status: criteria provided, single submitter. Criteria: Invitae Variant Classification Sherloc (09022015). Collection method: clinical testing. Allele origin: germline.